The following is an entry in ClinVar:

ClinVar aggregate classification (germline): Benign. Review status: criteria provided, multiple submitters, no conflicts (2 of 4 stars). 3 submissions from 3 submitters: Benign (3). Last evaluated 2026-02-02.

Allele frequency attached by ClinVar (database versions not stated): ESP Exome Variant Server 0.02242; 1000 Genomes Project 0.02356; TOPMed 0.02385; 1000 Genomes Project 30x 0.02483.
gnomAD v4.1: 6,510 of 1,575,310 alleles (0.41%); highest among the groups gnomAD compares: African/African-American, 7.6%; 231 homozygotes.

Submissions (3):

Labcorp Genetics (formerly Invitae), Labcorp
Classification: Benign. Last evaluated: 2026-02-02. Review status: criteria provided, single submitter. Criteria: Invitae Variant Classification Sherloc (09022015). Collection method: clinical testing. Allele origin: germline.

GeneDx
Classification: Benign. Last evaluated: 2014-01-04. Review status: criteria provided, single submitter. Criteria: GeneDx Variant Classification (06012015). Collection method: clinical testing. Allele origin: germline. Affected: yes.
Comment: This variant is considered likely benign or benign based on one or more of the following criteria: it is a conservative change, it occurs at a poorly conserved position in the protein, it is predicted to be benign by multiple in silico algorithms, and/or has population frequency not consistent with disease.

Breakthrough Genomics
Classification: Benign. Review status: criteria provided, single submitter. Criteria: ACMG Guidelines, 2015. Collection method: not provided. Allele origin: germline. Inheritance: Autosomal recessive inheritance. Affected: yes.

NM_024407.5(NDUFS7):c.123-20C>T

Gene: NDUFS7 (NADH:ubiquinone oxidoreductase core subunit S7; plus strand). Cytogenetic location: 19p13.3.
Variant type: single nucleotide variant.
Coding change: c.123-20C>T on transcript NM_024407.5 (MANE Select); 20 bases into the intron before coding-DNA position 123, C replaced by T.
Molecular consequence: intron variant.
Genome position (GRCh38, 1-based): chr19:1,388,813, C>T. VCF-style: chr19-1388813-C-T. GRCh37 (hg19) VCF-style: chr19-1388812-C-T.
Other names: c.123-20C>T (NM_001363602.2).
Identifiers: ClinVar variation 138496 (VCV000138496.10), dbSNP rs619693, ClinGen allele CA292510.